The following is an entry in ClinVar:

ClinVar aggregate classification (germline): Uncertain significance (1 of 4 stars; one submission).

Conditions:
Cardiovascular phenotype. Identifiers: MedGen CN230736.

Submission:

Ambry Genetics
Classification: Uncertain significance for Cardiovascular phenotype. Last evaluated: 2024-09-25. Review status: criteria provided, single submitter. Criteria: Ambry Variant Classification Scheme 2023. Collection method: clinical testing. Allele origin: germline.
Comment: The c.2425-1G>C intronic variant results from a G to C substitution one nucleotide before coding exon 20 of the ABCC9 gene. Alterations that disrupt the canonical splice site are expected to result in aberrant splicing. In silico splice site analysis predicts that this alteration will weaken the native splice acceptor site. The resulting transcript is predicted to be in-frame and is not expected to trigger nonsense-mediated mRNAdecay; however, direct evidence is unavailable. The exact functional effect of the altered amino acid sequence is unknown. This nucleotide position is highly conserved in available vertebrate species. Based on the available evidence, the clinical significance of this variant remains unclear.

NM_020297.4(ABCC9):c.2425-1G>C

Gene: ABCC9 (ATP binding cassette subfamily C member 9; minus strand). Cytogenetic location: 12p12.1.
Variant type: single nucleotide variant.
Coding change: c.2425-1G>C on transcript NM_020297.4 (MANE Select); the canonical splice acceptor site of the intron before coding-DNA position 2425, G replaced by C.
Molecular consequence: splice acceptor variant.
Genome position (GRCh38, 1-based): chr12:21,859,667, C>G on the plus strand (G>C on the coding strand, the complement: ABCC9 is on the minus strand). VCF-style: chr12-21859667-C-G. GRCh37 (hg19) VCF-style: chr12-22012601-C-G.
Other names: c.1558-1G>C (NM_001377274.1); c.2425-1G>C (NM_005691.4, NM_001377273.1).
Identifiers: ClinVar variation 3404829 (VCV003404829.1).
Genomic context (GRCh38, chr12:21,859,667, plus strand): 5'-TTGATACAGCGCTCGTGCCACACAGATTCTCTGCCTCTGTCCCCCACTCAGGTTGATGCC[C>G]TAGAGAAGAGACACCCCCAAATACCCATTTTTTAATATTAGTAAATGATCTTTTGGTAAT-3'